The following is an entry in ClinVar:

ClinVar aggregate classification (germline): Pathogenic (1 of 4 stars; one submission).

Submission:

GeneDx
Classification: Pathogenic. Last evaluated: 2024-09-29. Review status: criteria provided, single submitter. Criteria: GeneDx Variant Classification Process June 2021. Collection method: clinical testing. Allele origin: germline. Affected: yes.
Comment: Nonsense variant predicted to result in protein truncation or nonsense mediated decay in a gene for which loss of function is a known mechanism of disease; Not observed at significant frequency in large population cohorts (gnomAD); This variant is associated with the following publications: (PMID: 37086723)

NM_138927.4(SON):c.5812C>T (p.Arg1938Ter)

Gene: SON (SON DNA and RNA binding protein; plus strand). Cytogenetic location: 21q22.11.
Variant type: single nucleotide variant.
Coding change: c.5812C>T on transcript NM_138927.4 (MANE Select); coding-DNA position 5812, C replaced by T.
Protein change: p.Arg1938Ter; replaces arginine 1938 with a stop codon.
Molecular consequence: nonsense. On other transcripts: non-coding transcript variant (1), intron variant (1).
Genome position (GRCh38, 1-based): chr21:33,555,043, C>T. VCF-style: chr21-33555043-C-T. GRCh37 (hg19) VCF-style: chr21-34927349-C-T.
Other names: c.5812C>T, p.Arg1938Ter (NM_001291411.2, NM_032195.3); c.245-2113C>T (NM_001291412.3); short protein forms R1938*.
Identifiers: ClinVar variation 3774962 (VCV003774962.1).
Genomic context (GRCh38, chr21:33,555,043, plus strand): 5'-GTTAGAGCTCGAAGTCGAACCCCAAGTCGTCGGAGTCGGAGTCATACTCCAAGTCGTCGA[C>T]GAAGGTCTAGATCTGTGGGTAGAAGAAGGAGCTTTAGCATTTCCCCAAGCCGCCGCAGCC-3'